The following is an entry in ClinVar:

ClinVar aggregate classification (germline): Uncertain significance (1 of 4 stars; one submission).

Conditions:
Inborn genetic diseases. Identifiers: MedGen C0950123, MeSH D030342.

gnomAD v4.1: 1 of 1,609,100 alleles (0.000062%); highest among the groups gnomAD compares: East Asian, 0.0022%; no homozygotes.

Submission:

Ambry Genetics
Classification: Uncertain significance for Inborn genetic diseases. Last evaluated: 2026-01-14. Review status: criteria provided, single submitter. Criteria: Ambry Variant Classification Scheme 2023. Collection method: clinical testing. Allele origin: germline.
Comment: The p.N1243S variant (also known as c.3728A>G), located in coding exon 1 of the SAMD9 gene, results from an A to G substitution at nucleotide position 3728. The asparagine at codon 1243 is replaced by serine, an amino acid with highly similar properties. This amino acid position is conserved. In addition, this alteration is predicted to be tolerated by in silico analysis. Based on the available evidence, the clinical significance of this variant remains unclear.

NM_017654.4(SAMD9):c.3728A>G (p.Asn1243Ser)

Gene: SAMD9 (sterile alpha motif domain containing 9; minus strand). Cytogenetic location: 7q21.2.
Variant type: single nucleotide variant.
Coding change: c.3728A>G on transcript NM_017654.4 (MANE Select); coding-DNA position 3728, A replaced by G.
Protein change: p.Asn1243Ser; replaces asparagine 1243 with serine.
Molecular consequence: missense variant.
Genome position (GRCh38, 1-based): chr7:93,102,370, T>C on the plus strand (A>G on the coding strand, the complement: SAMD9 is on the minus strand). VCF-style: chr7-93102370-T-C. GRCh37 (hg19) VCF-style: chr7-92731683-T-C.
Other names: c.3728A>G, p.Asn1243Ser (NM_001193307.2); short protein forms N1243S.
Identifiers: ClinVar variation 4843146 (VCV004843146.1).